The following is an entry in ClinVar:

ClinVar aggregate classification (germline): Uncertain significance (1 of 4 stars; one submission).

Submission:

Labcorp Genetics (formerly Invitae), Labcorp
Classification: Uncertain significance. Last evaluated: 2026-01-25. Review status: criteria provided, single submitter. Criteria: Invitae Variant Classification Sherloc (09022015). Collection method: clinical testing. Allele origin: germline.
Comment: This sequence change replaces alanine, which is neutral and non-polar, with proline, which is neutral and non-polar, at codon 582 of the TRIM28 protein (p.Ala582Pro). This variant is present in population databases (no rsID available, gnomAD 0.01%). This variant has not been reported in the literature in individuals affected with TRIM28-related conditions. Experimental studies and prediction algorithms are not available or were not evaluated, and the functional significance of this variant is currently unknown. In summary, the available evidence is currently insufficient to determine the role of this variant in disease. Therefore, it has been classified as a Variant of Uncertain Significance.

NM_005762.3(TRIM28):c.1744G>C (p.Ala582Pro)

Gene: TRIM28 (tripartite motif containing 28; plus strand). Cytogenetic location: 19q13.43.
Variant type: single nucleotide variant.
Coding change: c.1744G>C on transcript NM_005762.3 (MANE Select); coding-DNA position 1744, G replaced by C.
Protein change: p.Ala582Pro; replaces alanine 582 with proline.
Molecular consequence: missense variant.
Genome position (GRCh38, 1-based): chr19:58,549,412, G>C. VCF-style: chr19-58549412-G-C. GRCh37 (hg19) VCF-style: chr19-59060779-G-C.
Other names: short protein forms A582P.
Identifiers: ClinVar variation 4716866 (VCV004716866.1).